The following is an entry in ClinVar:

NM_004370.6(COL12A1):c.4052A>G (p.Asp1351Gly)

Gene: COL12A1 (collagen type XII alpha 1 chain; minus strand). Cytogenetic location: 6q13.
Variant type: single nucleotide variant.
Coding change: c.4052A>G on transcript NM_004370.6 (MANE Select); coding-DNA position 4052, A replaced by G.
Protein change: p.Asp1351Gly; replaces aspartic acid 1351 with glycine.
Molecular consequence: missense variant.
Genome position (GRCh38, 1-based): chr6:75,151,236, T>C on the plus strand (A>G on the coding strand, the complement: COL12A1 is on the minus strand). VCF-style: chr6-75151236-T-C. GRCh37 (hg19) VCF-style: chr6-75860952-T-C.
Other names: c.560A>G, p.Asp187Gly (NM_080645.3); short protein forms D1351G, D187G.
Identifiers: ClinVar variation 575723 (VCV000575723.10), dbSNP rs1295465247, ClinGen allele CA364747208.

ClinVar aggregate classification (germline): Conflicting classifications of pathogenicity. Review status: criteria provided, conflicting classifications (1 of 4 stars). 2 submissions from 2 submitters: Uncertain significance (1); Likely benign (1). Last evaluated 2025-07-23.

Conditions:
Ullrich congenital muscular dystrophy 2 (UCMD2). Identifiers: Orphanet 75840, MedGen C4225314, MONDO:0014654, OMIM 616470.
Bethlem myopathy 2 (BTHLM2). Identifiers: Orphanet 536516, Orphanet 610, MedGen C4225313, MONDO:0034022, OMIM 616471.

Allele frequency attached by ClinVar (database versions not stated): TOPMed 0.00001; gnomAD exomes below 0.00001; gnomAD 0.00001.
gnomAD v4.1: 6 of 1,613,302 alleles (0.00037%); highest among the groups gnomAD compares: African/African-American, 0.0013%; no homozygotes.

Submissions (2):

Labcorp Genetics (formerly Invitae), Labcorp
Classification: Likely benign for Bethlem myopathy 2; Ullrich congenital muscular dystrophy 2. Last evaluated: 2025-07-23. Review status: criteria provided, single submitter. Criteria: Invitae Variant Classification Sherloc (09022015). Collection method: clinical testing. Allele origin: germline.

GeneDx
Classification: Uncertain significance. Last evaluated: 2019-11-20. Review status: criteria provided, single submitter. Criteria: GeneDx Variant Classification Process June 2021. Collection method: clinical testing. Allele origin: germline. Affected: yes.
Comment: Has not been previously published as pathogenic or benign to our knowledge; Not observed at a significant frequency in large population cohorts (Lek et al., 2016); Reported in ClinVar as a variant of uncertain significance (ClinVar Variant ID# 575723; Landrum et al., 2016); In silico analysis, which includes protein predictors and evolutionary conservation, supports a deleterious effect